The following is an entry in ClinVar:

NM_001370595.2(COA8):c.386-5692T>G

Gene: COA8 (cytochrome c oxidase assembly factor 8; plus strand). Cytogenetic location: 14q32.33.
Variant type: single nucleotide variant.
Coding change: c.386-5692T>G on transcript NM_001370595.2 (MANE Select); 5692 bases into the intron before coding-DNA position 386, T replaced by G.
Molecular consequence: intron variant. On other transcripts: synonymous variant (1).
Genome position (GRCh38, 1-based): chr14:103,581,582, T>G. VCF-style: chr14-103581582-T-G. GRCh37 (hg19) VCF-style: chr14-104047919-T-G.
Other names: c.399T>G, p.Pro133= (NM_001302653.2).
Identifiers: ClinVar variation 3042578 (VCV003042578.2), dbSNP rs550537910, ClinGen allele CA267243231.

ClinVar aggregate classification (germline): Likely benign (0 of 4 stars; one submission).

Conditions:
COA8-related disorder. Also called: COA8-related condition.

Allele frequency attached by ClinVar (database versions not stated): TOPMed 0.00009; gnomAD exomes 0.00021; gnomAD 0.00052; 1000 Genomes Project 30x 0.00297; 1000 Genomes Project 0.00300.
gnomAD v4.1: 130 of 399,006 alleles (0.033%); highest among the groups gnomAD compares: South Asian, 1.6%; 1 homozygote.

Submission:

PreventionGenetics, part of Exact Sciences
Classification: Likely benign for COA8-related condition. Last evaluated: 2019-06-27. Review status: no assertion criteria provided. Collection method: clinical testing. Allele origin: germline.
Comment: This variant is classified as likely benign based on ACMG/AMP sequence variant interpretation guidelines (Richards et al. 2015 PMID: 25741868, with internal and published modifications).